The following is an entry in ClinVar:

NM_000342.4(SLC4A1):c.1957del (p.Leu653fs)

Gene: SLC4A1 (solute carrier family 4 member 1 (Diego blood group); minus strand). Cytogenetic location: 17q21.31.
Variant type: Deletion.
Coding change: c.1957del on transcript NM_000342.4 (MANE Select); coding-DNA position 1957, one base deleted (C; older notation c.1957delC).
Protein change: p.Leu653fs; shifts the reading frame from leucine 653.
Molecular consequence: frameshift variant.
Genome position (GRCh38, 1-based): chr17:44,254,596, G deleted on the plus strand (C on the coding strand, the reverse complement: SLC4A1 is on the minus strand). VCF-style (leftmost placement, unchanged base first): chr17-44254595-AG-A. GRCh37 (hg19) VCF-style: chr17-42331963-AG-A.
Other names: short protein forms L653fs.
Identifiers: ClinVar variation 2135727 (VCV002135727.4), dbSNP rs2509962608, ClinGen allele CA2580093861.

ClinVar aggregate classification (germline): Pathogenic (1 of 4 stars; one submission).

Submission:

Labcorp Genetics (formerly Invitae), Labcorp
Classification: Pathogenic. Last evaluated: 2022-05-08. Review status: criteria provided, single submitter. Criteria: Invitae Variant Classification Sherloc (09022015). Collection method: clinical testing. Allele origin: germline.
Comment: This sequence change creates a premature translational stop signal (p.Leu653Trpfs*11) in the SLC4A1 gene. It is expected to result in an absent or disrupted protein product. Loss-of-function variants in SLC4A1 are known to be pathogenic (PMID: 8943874, 10926824, 23255290). This variant is not present in population databases (gnomAD no frequency). This variant has not been reported in the literature in individuals affected with SLC4A1-related conditions. For these reasons, this variant has been classified as Pathogenic.

Literature cited by the submitters: PubMed 8943874; PubMed 10926824; PubMed 23255290.